The following is an entry in ClinVar:

ClinVar aggregate classification (germline): Uncertain significance. Review status: criteria provided, multiple submitters, no conflicts (2 of 4 stars). 2 submissions from 2 submitters: Uncertain significance (2). Last evaluated 2025-08-17.

Conditions:
Cardiovascular phenotype. Identifiers: MedGen CN230736.
RASopathy. Also called: Noonan spectrum disorder; rasopathies. Identifiers: Orphanet 536391, MedGen C5555857, MONDO:0021060.

Allele frequency attached by ClinVar (database versions not stated): gnomAD exomes below 0.00001.
gnomAD v4.1: 2 of 1,609,874 alleles (0.00012%); highest among the groups gnomAD compares: Admixed American, 0.0033%; no homozygotes.

Submissions (2):

Labcorp Genetics (formerly Invitae), Labcorp
Classification: Uncertain significance for RASopathy. Last evaluated: 2025-08-17. Review status: criteria provided, single submitter. Criteria: Invitae Variant Classification Sherloc (09022015). Collection method: clinical testing. Allele origin: germline.
Comment: This sequence change replaces serine, which is neutral and polar, with arginine, which is basic and polar, at codon 652 of the CBL protein (p.Ser652Arg). This variant is not present in population databases (gnomAD no frequency). This variant has not been reported in the literature in individuals affected with CBL-related conditions. ClinVar contains an entry for this variant (Variation ID: 1374843). Invitae Evidence Modeling of protein sequence and biophysical properties (such as structural, functional, and spatial information, amino acid conservation, physicochemical variation, residue mobility, and thermodynamic stability) indicates that this missense variant is not expected to disrupt CBL protein function with a negative predictive value of 95%. In summary, the available evidence is currently insufficient to determine the role of this variant in disease. Therefore, it has been classified as a Variant of Uncertain Significance.

Ambry Genetics
Classification: Uncertain significance for Cardiovascular phenotype. Last evaluated: 2025-04-18. Review status: criteria provided, single submitter. Criteria: Ambry Variant Classification Scheme 2023. Collection method: clinical testing. Allele origin: germline.
Comment: The p.S652R variant (also known as c.1954A>C), located in coding exon 12 of the CBL gene, results from an A to C substitution at nucleotide position 1954. The serine at codon 652 is replaced by arginine, an amino acid with dissimilar properties. This amino acid position is conserved. In addition, this alteration is predicted to be tolerated by in silico analysis. Based on the available evidence, the clinical significance of this variant remains unclear.

NM_005188.4(CBL):c.1954A>C (p.Ser652Arg)

Gene: CBL (Cbl proto-oncogene; plus strand). Cytogenetic location: 11q23.3.
Variant type: single nucleotide variant.
Coding change: c.1954A>C on transcript NM_005188.4 (MANE Select); coding-DNA position 1954, A replaced by C.
Protein change: p.Ser652Arg; replaces serine 652 with arginine.
Molecular consequence: missense variant.
Genome position (GRCh38, 1-based): chr11:119,287,864, A>C. VCF-style: chr11-119287864-A-C. GRCh37 (hg19) VCF-style: chr11-119158574-A-C.
Other names: c.1954A>C (NM_005188.2); short protein forms S652R.
Identifiers: ClinVar variation 1374843 (VCV001374843.7), dbSNP rs1055456727, ClinGen allele CA229644422.